The following is an entry in ClinVar:

NM_006019.4(TCIRG1):c.1663T>C (p.Phe555Leu)

Gene: TCIRG1 (T cell immune regulator 1, ATPase H+ transporting V0 subunit a3; plus strand). Cytogenetic location: 11q13.2.
Variant type: single nucleotide variant.
Coding change: c.1663T>C on transcript NM_006019.4 (MANE Select); coding-DNA position 1663, T replaced by C.
Protein change: p.Phe555Leu; replaces phenylalanine 555 with leucine.
Molecular consequence: missense variant.
Genome position (GRCh38, 1-based): chr11:68,048,987, T>C. VCF-style: chr11-68048987-T-C. GRCh37 (hg19) VCF-style: chr11-67816454-T-C.
Other names: c.1663T>C (NM_006019.3); c.769T>C, p.Phe257Leu (NM_001351059.2); c.1015T>C, p.Phe339Leu (NM_006053.4); short protein forms F555L, F257L, F339L.
Identifiers: ClinVar variation 594581 (VCV000594581.8), dbSNP rs779779379, ClinGen allele CA6147215.

ClinVar aggregate classification (germline): Uncertain significance. Review status: criteria provided, multiple submitters, no conflicts (2 of 4 stars). 4 submissions from 4 submitters: Uncertain significance (3). 1 of the submissions does not count toward it. Last evaluated 2024-04-08.

Conditions:
Inborn genetic diseases. Identifiers: MedGen C0950123, MeSH D030342.
Autosomal recessive osteopetrosis 1. Also called: TCIRG1-Related Autosomal Recessive Osteopetrosis; ALBERS-SCHONBERG DISEASE, AUTOSOMAL RECESSIVE; TCIRG1-Related Osteopetrosis. Identifiers: Orphanet 667, MedGen C1850127, MONDO:0009815, OMIM 259700.

Allele frequency attached by ClinVar (database versions not stated): ExAC 0.00001; gnomAD exomes 0.00001 and 0.00002; TOPMed 0.00001.

Submissions (4):

Ambry Genetics
Classification: Uncertain significance for Inborn genetic diseases. Last evaluated: 2024-04-08. Review status: criteria provided, single submitter. Criteria: Ambry Variant Classification Scheme 2023. Collection method: clinical testing. Allele origin: germline.

Labcorp Genetics (formerly Invitae), Labcorp
Classification: Uncertain significance. Last evaluated: 2024-03-29. Review status: criteria provided, single submitter. Criteria: Invitae Variant Classification Sherloc (09022015). Collection method: clinical testing. Allele origin: germline.
Comment: This sequence change replaces phenylalanine, which is neutral and non-polar, with leucine, which is neutral and non-polar, at codon 555 of the TCIRG1 protein (p.Phe555Leu). This variant is present in population databases (rs779779379, gnomAD 0.002%). This variant has not been reported in the literature in individuals affected with TCIRG1-related conditions. ClinVar contains an entry for this variant (Variation ID: 594581). Advanced modeling of protein sequence and biophysical properties (such as structural, functional, and spatial information, amino acid conservation, physicochemical variation, residue mobility, and thermodynamic stability) performed at Invitae indicates that this missense variant is not expected to disrupt TCIRG1 protein function with a negative predictive value of 80%. In summary, the available evidence is currently insufficient to determine the role of this variant in disease. Therefore, it has been classified as a Variant of Uncertain Significance.

Eurofins Ntd Llc (ga)
Classification: Uncertain significance. Last evaluated: 2017-11-02. Review status: criteria provided, single submitter. Criteria: EGL Classification Definitions 2015. Collection method: clinical testing. Allele origin: germline. Observed: 1 variant allele, 1 heterozygote.

Natera, Inc.
Classification: Uncertain significance for Infantile malignant osteopetrosis. Last evaluated: 2020-04-16. Review status: no assertion criteria provided. Collection method: clinical testing. Allele origin: germline. Not counted in ClinVar's aggregate classification.